The following is an entry in ClinVar:

NM_001349253.2(SCN11A):c.4842T>A (p.Ser1614Arg)

Gene: SCN11A (sodium voltage-gated channel alpha subunit 11; minus strand). Cytogenetic location: 3p22.2.
Variant type: single nucleotide variant.
Coding change: c.4842T>A on transcript NM_001349253.2 (MANE Select); coding-DNA position 4842, T replaced by A.
Protein change: p.Ser1614Arg; replaces serine 1614 with arginine.
Molecular consequence: missense variant.
Genome position (GRCh38, 1-based): chr3:38,847,228, A>T on the plus strand (T>A on the coding strand, the complement: SCN11A is on the minus strand). VCF-style: chr3-38847228-A-T. GRCh37 (hg19) VCF-style: chr3-38888719-A-T.
Other names: c.4842T>A (NM_014139.2); c.4842T>A, p.Ser1614Arg (NM_014139.3); short protein forms S1614R.
Identifiers: ClinVar variation 2924531 (VCV002924531.4), dbSNP rs984379131, ClinGen allele CA72959756.

ClinVar aggregate classification (germline): Uncertain significance. Review status: criteria provided, multiple submitters, no conflicts (2 of 4 stars). 2 submissions from 2 submitters: Uncertain significance (2). Last evaluated 2026-07-08.

Conditions:
SCN11A-related disorder. Also called: SCN11A-related condition.
Hereditary sensory and autonomic neuropathy type 7. Also called: Neuropathy, hereditary sensory and autonomic, type VII; HSAN VII. Identifiers: Orphanet 391397, MedGen C3809882, MONDO:0014244, OMIM 615548.
Familial episodic pain syndrome with predominantly lower limb involvement. Also called: Episodic pain syndrome, familial, 3. Identifiers: Orphanet 391384, Orphanet 391392, MedGen C3809899, MONDO:0014247, OMIM 615552.

gnomAD v4.1: 1 of 1,614,062 alleles (0.000062%); highest among the groups gnomAD compares: African/African-American, 0.0013%; no homozygotes.

Submissions (2):

PreventionGenetics, part of Exact Sciences
Classification: Uncertain significance for SCN11A-related condition. Last evaluated: 2026-07-08. Review status: criteria provided, single submitter. Criteria: ACMG Guidelines, 2015. Collection method: clinical testing. Allele origin: germline.
Comment: The SCN11A c.4842T>A variant is predicted to result in the amino acid substitution p.Ser1614Arg. To our knowledge, this variant has not been reported in the literature. This variant is reported in 0.0062% of alleles in individuals of African descent in gnomAD. At this time, the clinical significance of this variant is uncertain due to the absence of conclusive functional and genetic evidence.

Labcorp Genetics (formerly Invitae), Labcorp
Classification: Uncertain significance for Familial episodic pain syndrome with predominantly lower limb involvement; Hereditary sensory and autonomic neuropathy type 7. Last evaluated: 2023-05-19. Review status: criteria provided, single submitter. Criteria: Invitae Variant Classification Sherloc (09022015). Collection method: clinical testing. Allele origin: germline.
Comment: In summary, the available evidence is currently insufficient to determine the role of this variant in disease. Therefore, it has been classified as a Variant of Uncertain Significance. Advanced modeling of protein sequence and biophysical properties (such as structural, functional, and spatial information, amino acid conservation, physicochemical variation, residue mobility, and thermodynamic stability) performed at Invitae indicates that this missense variant is expected to disrupt SCN11A protein function. This variant has not been reported in the literature in individuals affected with SCN11A-related conditions. This variant is present in population databases (no rsID available, gnomAD 0.007%). This sequence change replaces serine, which is neutral and polar, with arginine, which is basic and polar, at codon 1614 of the SCN11A protein (p.Ser1614Arg).